The following is an entry in ClinVar:

NM_004006.3(DMD):c.7309+5G>T

Gene: DMD (dystrophin; minus strand). Cytogenetic location: Xp21.1.
Variant type: single nucleotide variant.
Coding change: c.7309+5G>T on transcript NM_004006.3 (MANE Select); 5 bases into the intron after coding-DNA position 7309, G replaced by T.
Molecular consequence: intron variant.
Genome position (GRCh38, 1-based): chrX:31,819,970, C>A on the plus strand (G>T on the coding strand, the complement: DMD is on the minus strand). VCF-style: chrX-31819970-C-A. GRCh37 (hg19) VCF-style: chrX-31838087-C-A.
Other names: c.7285+5G>T (NM_000109.4); c.3286+5G>T (NM_004011.4); c.3277+5G>T (NM_004012.4); c.-72+5G>T (NM_004023.3, NM_004020.4, NM_004022.3 and 2 more transcripts); c.7297+5G>T (NM_004009.3); c.6940+5G>T (NM_004010.3).
Identifiers: ClinVar variation 4279612 (VCV004279612.1).

ClinVar aggregate classification (germline): Uncertain significance (1 of 4 stars; one submission).

Conditions:
Duchenne muscular dystrophy (DMD). Also called: MUSCULAR DYSTROPHY, PSEUDOHYPERTROPHIC PROGRESSIVE, DUCHENNE TYPE; Duchenne Muscular Dystrophy (DMD). Identifiers: Orphanet 98896, MedGen C0013264, MONDO:0010679, OMIM 310200.

Submission:

Diagnostics Services (NGS), CSIR - Centre For Cellular And Molecular Biology
Classification: Uncertain significance for Duchenne muscular dystrophy. Last evaluated: 2025-09-18. Review status: criteria provided, single submitter. Criteria: ACMG Guidelines, 2015. Collection method: clinical testing. Allele origin: germline. Affected: yes. Observed: 1 variant allele, 1 hemizygote.
Comment: The c.7309+5G>T variant is not present in publicly available population databases like 1000 Genomes, EVS, gnomAD, Indian Exome Database or our internal database. This variant has neither been published in literature in individuals affected with DMD-related conditions nor reported to the clinical databases like Human Genome Mutation Database (HGMD), ClinVar or OMIM, in any affected individuals. This variant is located near the exon-intron splice junction of the gene (splice distance- 5 bp) and algorithms developed to predict the effect of sequence changes on RNA splicing suggest that this variant can disrupt splicing. In-silico pathogenicity prediction programs like HSF3.1, MutationTaster2021, CADD, etc predicted this variant to be likely deleterious however these predictions were not confirmed by published functional/translational studies.